The following is an entry in ClinVar:

ClinVar aggregate classification (germline): Uncertain significance (1 of 4 stars; one submission).

gnomAD v4.1: 1 of 1,611,928 alleles (0.000062%); highest among the groups gnomAD compares: African/African-American, 0.0013%; no homozygotes.

Submission:

GeneDx
Classification: Uncertain significance. Last evaluated: 2024-04-24. Review status: criteria provided, single submitter. Criteria: GeneDx Variant Classification Process June 2021. Collection method: clinical testing. Allele origin: germline. Affected: yes.
Comment: Not observed at significant frequency in large population cohorts (gnomAD); In silico analysis supports that this missense variant has a deleterious effect on protein structure/function; Has not been previously published as pathogenic or benign to our knowledge

NM_001365088.1(SLC12A6):c.1372A>T (p.Ile458Phe)

Gene: SLC12A6 (solute carrier family 12 member 6; minus strand). Cytogenetic location: 15q14.
Variant type: single nucleotide variant.
Coding change: c.1372A>T on transcript NM_001365088.1 (MANE Select); coding-DNA position 1372, A replaced by T.
Protein change: p.Ile458Phe; replaces isoleucine 458 with phenylalanine.
Molecular consequence: missense variant.
Genome position (GRCh38, 1-based): chr15:34,251,019, T>A on the plus strand (A>T on the coding strand, the complement: SLC12A6 is on the minus strand). VCF-style: chr15-34251019-T-A. GRCh37 (hg19) VCF-style: chr15-34543220-T-A.
Other names: c.1195A>T, p.Ile399Phe (NM_001042494.2, NM_001042495.2); c.1345A>T, p.Ile449Phe (NM_001042496.2); c.1327A>T, p.Ile443Phe (NM_001042497.2); c.1219A>T, p.Ile407Phe (NM_005135.2); c.1372A>T, p.Ile458Phe (NM_133647.2); short protein forms I399F, I407F, I443F, I449F, I458F.
Identifiers: ClinVar variation 3372989 (VCV003372989.1).